The following is an entry in ClinVar:

NM_000179.3(MSH6):c.2539G>A (p.Glu847Lys)

Gene: MSH6 (mutS homolog 6; plus strand). Cytogenetic location: 2p16.3.
Variant type: single nucleotide variant.
Coding change: c.2539G>A on transcript NM_000179.3 (MANE Select); coding-DNA position 2539, G replaced by A.
Protein change: p.Glu847Lys; replaces glutamic acid 847 with lysine.
Molecular consequence: missense variant.
Genome position (GRCh38, 1-based): chr2:47,800,522, G>A. VCF-style: chr2-47800522-G-A. GRCh37 (hg19) VCF-style: chr2-48027661-G-A.
Other names: c.2149G>A, p.Glu717Lys (NM_001281492.2); c.1633G>A, p.Glu545Lys (NM_001281493.2, NM_001281494.2); short protein forms E717K, E847K, E545K.
Identifiers: ClinVar variation 644455 (VCV000644455.12), dbSNP rs775625082, ClinGen allele CA069151.
Genomic context (GRCh38, chr2:47,800,522, plus strand): 5'-AATGTTGGGTCTCCCCTGAAGAGTCAGAACCACCCAGACAGCAGGGCTATAATGTATGAA[G>A]AAACTACATACAGCAAGAAGAAGATTATTGATTTTCTTTCTGCTCTGGAAGGATTCAAAG-3'
Protein context (NP_000170.1, residues 837-857): HPDSRAIMYE[Glu847Lys]TTYSKKKIID

ClinVar aggregate classification (germline): Uncertain significance. Review status: criteria provided, multiple submitters, no conflicts (2 of 4 stars). 2 submissions from 2 submitters: Uncertain significance (2). Last evaluated 2024-06-12.

Conditions:
Hereditary cancer-predisposing syndrome. Also called: Neoplastic Syndromes, Hereditary; Tumor predisposition; Hereditary neoplastic syndrome; Hereditary Cancer Syndrome. Identifiers: Orphanet 140162, MedGen C0027672, MeSH D009386, MONDO:0015356.
Hereditary nonpolyposis colorectal neoplasms. Identifiers: MedGen C0009405, MeSH D003123.

Allele frequency attached by ClinVar (database versions not stated): gnomAD exomes below 0.00001 and 0.00001; ExAC 0.00001.
gnomAD v4.1: 4 of 1,613,128 alleles (0.00025%); highest among the groups gnomAD compares: Admixed American, 0.005%; no homozygotes.

Submissions (2):

Ambry Genetics
Classification: Uncertain significance for Hereditary cancer-predisposing syndrome. Last evaluated: 2024-06-12. Review status: criteria provided, single submitter. Criteria: Ambry Variant Classification Scheme 2023. Collection method: clinical testing. Allele origin: germline.
Comment: The p.E847K variant (also known as c.2539G>A), located in coding exon 4 of the MSH6 gene, results from a G to A substitution at nucleotide position 2539. The glutamic acid at codon 847 is replaced by lysine, an amino acid with similar properties. This amino acid position is highly conserved in available vertebrate species. In addition, this alteration is predicted to be deleterious by in silico analysis. Based on the available evidence, the clinical significance of this variant remains unclear.

Labcorp Genetics (formerly Invitae), Labcorp
Classification: Uncertain significance for Hereditary nonpolyposis colorectal neoplasms. Last evaluated: 2019-03-06. Review status: criteria provided, single submitter. Criteria: Invitae Variant Classification Sherloc (09022015). Collection method: clinical testing. Allele origin: germline.
Comment: This sequence change replaces glutamic acid with lysine at codon 847 of the MSH6 protein (p.Glu847Lys). The glutamic acid residue is moderately conserved and there is a small physicochemical difference between glutamic acid and lysine. This variant is present in population databases (rs775625082, ExAC 0.009%). This variant has not been reported in the literature in individuals with MSH6-related conditions. Algorithms developed to predict the effect of missense changes on protein structure and function are either unavailable or do not agree on the potential impact of this missense change (SIFT: "Deleterious"; PolyPhen-2: "Probably Damaging"; Align-GVGD: "Class C15"). In summary, the available evidence is currently insufficient to determine the role of this variant in disease. Therefore, it has been classified as a Variant of Uncertain Significance.